The following is an entry in ClinVar:

NM_001035.3(RYR2):c.2810T>G (p.Leu937Arg)

Gene: RYR2 (ryanodine receptor 2; plus strand). Cytogenetic location: 1q43.
Variant type: single nucleotide variant.
Coding change: c.2810T>G on transcript NM_001035.3 (MANE Select); coding-DNA position 2810, T replaced by G.
Protein change: p.Leu937Arg; replaces leucine 937 with arginine.
Molecular consequence: missense variant.
Genome position (GRCh38, 1-based): chr1:237,511,779, T>G. VCF-style: chr1-237511779-T-G. GRCh37 (hg19) VCF-style: chr1-237675079-T-G.
Other names: short protein forms L937R.
Identifiers: ClinVar variation 4800061 (VCV004800061.1).

ClinVar aggregate classification (germline): Uncertain significance (1 of 4 stars; one submission).

Conditions:
Catecholaminergic polymorphic ventricular tachycardia 1. Also called: VENTRICULAR TACHYCARDIA, STRESS-INDUCED POLYMORPHIC 1; RYR2-Related Catecholaminergic Polymorphic Ventricular Tachycardia; VENTRICULAR TACHYCARDIA, CATECHOLAMINERGIC POLYMORPHIC, 1, WITH OR WITHOUT ATRIAL DYSFUNCTION AND/OR DILATED CARDIOMYOPATHY. Identifiers: Orphanet 3286, MedGen C1631597, MONDO:0011484, OMIM 604772.

Submission:

Labcorp Genetics (formerly Invitae), Labcorp
Classification: Uncertain significance for Catecholaminergic polymorphic ventricular tachycardia 1. Last evaluated: 2025-09-19. Review status: criteria provided, single submitter. Criteria: Invitae Variant Classification Sherloc (09022015). Collection method: clinical testing. Allele origin: germline.
Comment: This sequence change replaces leucine, which is neutral and non-polar, with arginine, which is basic and polar, at codon 937 of the RYR2 protein (p.Leu937Arg). This variant is not present in population databases (gnomAD no frequency). This variant has not been reported in the literature in individuals affected with RYR2-related conditions. Invitae Evidence Modeling of protein sequence and biophysical properties (such as structural, functional, and spatial information, amino acid conservation, physicochemical variation, residue mobility, and thermodynamic stability) indicates that this missense variant is not expected to disrupt RYR2 protein function with a negative predictive value of 95%. In summary, the available evidence is currently insufficient to determine the role of this variant in disease. Therefore, it has been classified as a Variant of Uncertain Significance.